The following is an entry in ClinVar:

NM_022552.5(DNMT3A):c.2528G>A (p.Gly843Asp)

Gene: DNMT3A (DNA methyltransferase 3 alpha; minus strand). Cytogenetic location: 2p23.3.
Variant type: single nucleotide variant.
Coding change: c.2528G>A on transcript NM_022552.5 (MANE Select); coding-DNA position 2528, G replaced by A.
Protein change: p.Gly843Asp; replaces glycine 843 with aspartic acid.
Molecular consequence: missense variant. On other transcripts: non-coding transcript variant (1).
Genome position (GRCh38, 1-based): chr2:25,235,776, C>T on the plus strand (G>A on the coding strand, the complement: DNMT3A is on the minus strand). VCF-style: chr2-25235776-C-T. GRCh37 (hg19) VCF-style: chr2-25458645-C-T.
Other names: c.2072G>A, p.Gly691Asp (NM_001320893.1); c.1859G>A, p.Gly620Asp (NM_001375819.1); c.1961G>A, p.Gly654Asp (NM_153759.3); c.2528G>A, p.Gly843Asp (NM_175629.2); short protein forms G620D, G654D, G691D, G843D.
Identifiers: ClinVar variation 5035523 (VCV005035523.1).

ClinVar aggregate classification (germline): Uncertain significance (1 of 4 stars; one submission).

Conditions:
Inborn genetic diseases. Identifiers: MedGen C0950123, MeSH D030342.

Submission:

Ambry Genetics
Classification: Uncertain significance for Inborn genetic diseases. Last evaluated: 2026-08-16. Review status: criteria provided, single submitter. Criteria: Ambry Variant Classification Scheme 2023. Collection method: clinical testing. Allele origin: germline.
Comment: The p.G843D variant (also known as c.2528G>A), located in coding exon 21 of the DNMT3A gene, results from a G to A substitution at nucleotide position 2528. The glycine at codon 843 is replaced by aspartic acid, an amino acid with similar properties. This amino acid position is conserved. In addition, this alteration is predicted to be deleterious by in silico analysis. Based on the available evidence, the clinical significance of this variant remains unclear.